The following is an entry in ClinVar:

NM_032802.4(SPPL2A):c.544A>C (p.Thr182Pro)

Gene: SPPL2A (signal peptide peptidase like 2A; minus strand). Cytogenetic location: 15q21.2.
Variant type: single nucleotide variant.
Coding change: c.544A>C on transcript NM_032802.4 (MANE Select); coding-DNA position 544, A replaced by C.
Protein change: p.Thr182Pro; replaces threonine 182 with proline.
Molecular consequence: missense variant.
Genome position (GRCh38, 1-based): chr15:50,747,535, T>G on the plus strand (A>C on the coding strand, the complement: SPPL2A is on the minus strand). VCF-style: chr15-50747535-T-G. GRCh37 (hg19) VCF-style: chr15-51039732-T-G.
Other names: short protein forms T182P.
Identifiers: ClinVar variation 1435078 (VCV001435078.8), dbSNP rs2062867760, ClinGen allele CA392413607.

ClinVar aggregate classification (germline): Uncertain significance (1 of 4 stars; one submission).

Allele frequency attached by ClinVar (database versions not stated): TOPMed below 0.00001; gnomAD 0.00001.
gnomAD v4.1: 1 of 1,612,192 alleles (0.000062%); highest among the groups gnomAD compares: African/African-American, 0.0013%; no homozygotes.

Submission:

Labcorp Genetics (formerly Invitae), Labcorp
Classification: Uncertain significance. Last evaluated: 2022-07-18. Review status: criteria provided, single submitter. Criteria: Invitae Variant Classification Sherloc (09022015). Collection method: clinical testing. Allele origin: germline.
Comment: In summary, the available evidence is currently insufficient to determine the role of this variant in disease. Therefore, it has been classified as a Variant of Uncertain Significance. Algorithms developed to predict the effect of missense changes on protein structure and function are either unavailable or do not agree on the potential impact of this missense change (SIFT: "Tolerated"; PolyPhen-2: "Probably Damaging"; Align-GVGD: "Class C0"). ClinVar contains an entry for this variant (Variation ID: 1435078). This variant has not been reported in the literature in individuals affected with SPPL2A-related conditions. This variant is not present in population databases (gnomAD no frequency). This sequence change replaces threonine, which is neutral and polar, with proline, which is neutral and non-polar, at codon 182 of the SPPL2A protein (p.Thr182Pro).